The following is an entry in ClinVar:

NM_004369.4(COL6A3):c.3112G>A (p.Glu1038Lys)

Gene: COL6A3 (collagen type VI alpha 3 chain; minus strand). Cytogenetic location: 2q37.3.
Variant type: single nucleotide variant.
Coding change: c.3112G>A on transcript NM_004369.4 (MANE Select); coding-DNA position 3112, G replaced by A.
Protein change: p.Glu1038Lys; replaces glutamic acid 1038 with lysine.
Molecular consequence: missense variant.
Genome position (GRCh38, 1-based): chr2:237,374,979, C>T on the plus strand (G>A on the coding strand, the complement: COL6A3 is on the minus strand). VCF-style: chr2-237374979-C-T. GRCh37 (hg19) VCF-style: chr2-238283622-C-T.
Other names: c.1891G>A, p.Glu631Lys (NM_057164.5); c.2494G>A, p.Glu832Lys (NM_057165.5, NM_057167.4); c.1291G>A, p.Glu431Lys (NM_057166.5); short protein forms E1038K, E832K, E431K, E631K.
Identifiers: ClinVar variation 2188047 (VCV002188047.8), dbSNP rs946039945, ClinGen allele CA67823992.

ClinVar aggregate classification (germline): Uncertain significance. Review status: criteria provided, multiple submitters, no conflicts (2 of 4 stars). 3 submissions from 3 submitters: Uncertain significance (3). Last evaluated 2022-12-14.

Conditions:
Inborn genetic diseases. Identifiers: MedGen C0950123, MeSH D030342.
Bethlem myopathy 1A. Also called: Bethlem Muscular Dystrophy; MYOPATHY, BENIGN CONGENITAL, WITH CONTRACTURES; Bethlem myopathy 1. Identifiers: Orphanet 610, MedGen CN029274, MONDO:0024530, OMIM 158810.

Allele frequency attached by ClinVar (database versions not stated): gnomAD exomes 0.00001.
gnomAD v4.1: 4 of 1,614,004 alleles (0.00025%); highest among the groups gnomAD compares: Non-Finnish European, 0.00034%; no homozygotes.

Submissions (3):

Ambry Genetics
Classification: Uncertain significance for Inborn genetic diseases. Last evaluated: 2022-12-14. Review status: criteria provided, single submitter. Criteria: Ambry Variant Classification Scheme 2023. Collection method: clinical testing. Allele origin: germline.

Labcorp Genetics (formerly Invitae), Labcorp
Classification: Uncertain significance for Bethlem myopathy 1A. Last evaluated: 2022-08-16. Review status: criteria provided, single submitter. Criteria: Invitae Variant Classification Sherloc (09022015). Collection method: clinical testing. Allele origin: germline.
Comment: Advanced modeling of protein sequence and biophysical properties (such as structural, functional, and spatial information, amino acid conservation, physicochemical variation, residue mobility, and thermodynamic stability) performed at Invitae indicates that this missense variant is not expected to disrupt COL6A3 protein function. In summary, the available evidence is currently insufficient to determine the role of this variant in disease. Therefore, it has been classified as a Variant of Uncertain Significance. This variant is not present in population databases (gnomAD no frequency). This variant has not been reported in the literature in individuals affected with COL6A3-related conditions. This sequence change replaces glutamic acid, which is acidic and polar, with lysine, which is basic and polar, at codon 1038 of the COL6A3 protein (p.Glu1038Lys).

Revvity Omics, Revvity
Classification: Uncertain significance. Last evaluated: 2020-03-27. Review status: criteria provided, single submitter. Criteria: ACMG Guidelines, 2015. Collection method: clinical testing. Allele origin: germline.